The following is an entry in ClinVar:

NM_014014.5(SNRNP200):c.6097G>C (p.Gly2033Arg)

Gene: SNRNP200 (small nuclear ribonucleoprotein U5 subunit 200; minus strand). Cytogenetic location: 2q11.2.
Variant type: single nucleotide variant.
Coding change: c.6097G>C on transcript NM_014014.5 (MANE Select); coding-DNA position 6097, G replaced by C.
Protein change: p.Gly2033Arg; replaces glycine 2033 with arginine.
Molecular consequence: missense variant.
Genome position (GRCh38, 1-based): chr2:96,276,981, C>G on the plus strand (G>C on the coding strand, the complement: SNRNP200 is on the minus strand). VCF-style: chr2-96276981-C-G. GRCh37 (hg19) VCF-style: chr2-96942719-C-G.
Other names: short protein forms G2033R.
Identifiers: ClinVar variation 1009198 (VCV001009198.8), dbSNP rs752450131, ClinGen allele CA347656479.

ClinVar aggregate classification (germline): Uncertain significance (1 of 4 stars; one submission).

Submission:

Labcorp Genetics (formerly Invitae), Labcorp
Classification: Uncertain significance. Last evaluated: 2020-03-05. Review status: criteria provided, single submitter. Criteria: Invitae Variant Classification Sherloc (09022015). Collection method: clinical testing. Allele origin: germline.
Comment: This sequence change replaces glycine with arginine at codon 2033 of the SNRNP200 protein (p.Gly2033Arg). The glycine residue is moderately conserved and there is a moderate physicochemical difference between glycine and arginine. This variant is not present in population databases (ExAC no frequency). This variant has not been reported in the literature in individuals with SNRNP200-related conditions. Algorithms developed to predict the effect of missense changes on protein structure and function (SIFT, PolyPhen-2, Align-GVGD) all suggest that this variant is likely to be tolerated, but these predictions have not been confirmed by published functional studies and their clinical significance is uncertain. In summary, the available evidence is currently insufficient to determine the role of this variant in disease. Therefore, it has been classified as a Variant of Uncertain Significance.